The following is an entry in ClinVar:

NM_017654.4(SAMD9):c.4276T>G (p.Tyr1426Asp)

Gene: SAMD9 (sterile alpha motif domain containing 9; minus strand). Cytogenetic location: 7q21.2.
Variant type: single nucleotide variant.
Coding change: c.4276T>G on transcript NM_017654.4 (MANE Select); coding-DNA position 4276, T replaced by G.
Protein change: p.Tyr1426Asp; replaces tyrosine 1426 with aspartic acid.
Molecular consequence: missense variant.
Genome position (GRCh38, 1-based): chr7:93,101,822, A>C on the plus strand (T>G on the coding strand, the complement: SAMD9 is on the minus strand). VCF-style: chr7-93101822-A-C. GRCh37 (hg19) VCF-style: chr7-92731135-A-C.
Other names: c.4276T>G, p.Tyr1426Asp (NM_001193307.2); short protein forms Y1426D.
Identifiers: ClinVar variation 3792071 (VCV003792071.1).

ClinVar aggregate classification (germline): Uncertain significance (1 of 4 stars; one submission).

Conditions:
Inborn genetic diseases. Identifiers: MedGen C0950123, MeSH D030342.

Submission:

Ambry Genetics
Classification: Uncertain significance for Inborn genetic diseases. Last evaluated: 2025-02-09. Review status: criteria provided, single submitter. Criteria: Ambry Variant Classification Scheme 2023. Collection method: clinical testing. Allele origin: germline.
Comment: The p.Y1426D variant (also known as c.4276T>G), located in coding exon 1 of the SAMD9 gene, results from a T to G substitution at nucleotide position 4276. The tyrosine at codon 1426 is replaced by aspartic acid, an amino acid with highly dissimilar properties. This amino acid position is conserved. In addition, this alteration is predicted to be tolerated by in silico analysis. Based on the available evidence, the clinical significance of this variant remains unclear.